The following is an entry in ClinVar:

NM_001111125.3(IQSEC2):c.2264G>A (p.Arg755Gln)

Gene: IQSEC2 (IQ motif and Sec7 domain ArfGEF 2; minus strand). Cytogenetic location: Xp11.22.
Variant type: single nucleotide variant.
Coding change: c.2264G>A on transcript NM_001111125.3 (MANE Select); coding-DNA position 2264, G replaced by A.
Protein change: p.Arg755Gln; replaces arginine 755 with glutamine.
Molecular consequence: missense variant.
Genome position (GRCh38, 1-based): chrX:53,250,312, C>T on the plus strand (G>A on the coding strand, the complement: IQSEC2 is on the minus strand). VCF-style: chrX-53250312-C-T. GRCh37 (hg19) VCF-style: chrX-53279494-C-T.
Other names: c.2264G>A, p.Arg755Gln (NM_001410736.1); c.1649G>A, p.Arg550Gln (NM_015075.2); short protein forms R550Q, R755Q.
Identifiers: ClinVar variation 3900768 (VCV003900768.1).

ClinVar aggregate classification (germline): Uncertain significance (1 of 4 stars; one submission).

Submission:

GeneDx
Classification: Uncertain significance. Last evaluated: 2024-11-19. Review status: criteria provided, single submitter. Criteria: GeneDx Variant Classification Process June 2021. Collection method: clinical testing. Allele origin: germline. Affected: yes.
Comment: Not observed at significant frequency in large population cohorts (gnomAD); In silico analysis supports that this missense variant has a deleterious effect on protein structure/function; Has not been previously published as pathogenic or benign to our knowledge; This variant is associated with the following publications: (PMID: 20473311)